The following is an entry in ClinVar:

ClinVar aggregate classification (germline): Uncertain significance (1 of 4 stars; one submission).

Conditions:
Inborn genetic diseases. Identifiers: MedGen C0950123, MeSH D030342.

gnomAD v4.1: 3 of 1,605,844 alleles (0.00019%); highest among the groups gnomAD compares: Non-Finnish European, 0.00017%; no homozygotes.

Submission:

Ambry Genetics
Classification: Uncertain significance for Inborn genetic diseases. Last evaluated: 2024-03-15. Review status: criteria provided, single submitter. Criteria: Ambry Variant Classification Scheme 2023. Collection method: clinical testing. Allele origin: germline.
Comment: The p.E2519G variant (also known as c.7556A>G), located in coding exon 51 of the LRRK2 gene, results from an A to G substitution at nucleotide position 7556. The glutamic acid at codon 2519 is replaced by glycine, an amino acid with similar properties. This amino acid position is conserved. In addition, this alteration is predicted to be tolerated by in silico analysis. Based on the available evidence, the clinical significance of this alteration remains unclear.

NM_198578.4(LRRK2):c.7556A>G (p.Glu2519Gly)

Gene: LRRK2 (leucine rich repeat kinase 2; plus strand). Cytogenetic location: 12q12.
Variant type: single nucleotide variant.
Coding change: c.7556A>G on transcript NM_198578.4 (MANE Select); coding-DNA position 7556, A replaced by G.
Protein change: p.Glu2519Gly; replaces glutamic acid 2519 with glycine.
Molecular consequence: missense variant.
Genome position (GRCh38, 1-based): chr12:40,367,737, A>G. VCF-style: chr12-40367737-A-G. GRCh37 (hg19) VCF-style: chr12-40761539-A-G.
Other names: short protein forms E2519G.
Identifiers: ClinVar variation 3291895 (VCV003291895.1).